The following is an entry in ClinVar:

NM_006258.4(PRKG1):c.416A>G (p.Tyr139Cys)

Gene: PRKG1 (protein kinase cGMP-dependent 1; plus strand). Cytogenetic location: 10q21.1.
Variant type: single nucleotide variant.
Coding change: c.416A>G on transcript NM_006258.4 (MANE Select); coding-DNA position 416, A replaced by G.
Protein change: p.Tyr139Cys; replaces tyrosine 139 with cysteine.
Molecular consequence: missense variant.
Genome position (GRCh38, 1-based): chr10:51,153,268, A>G. VCF-style: chr10-51153268-A-G. GRCh37 (hg19) VCF-style: chr10-52913028-A-G.
Other names: c.371A>G, p.Tyr124Cys (NM_001098512.3); c.416A>G, p.Tyr139Cys (NM_001374782.1); short protein forms Y124C, Y139C.
Identifiers: ClinVar variation 3373387 (VCV003373387.1).

ClinVar aggregate classification (germline): Uncertain significance (1 of 4 stars; one submission).

Submission:

GeneDx
Classification: Uncertain significance. Last evaluated: 2024-05-02. Review status: criteria provided, single submitter. Criteria: GeneDx Variant Classification Process June 2021. Collection method: clinical testing. Allele origin: germline. Affected: yes.
Comment: Not observed at significant frequency in large population cohorts (gnomAD); In silico analysis supports that this missense variant has a deleterious effect on protein structure/function; Has not been previously published as pathogenic or benign to our knowledge